The following is an entry in ClinVar:

ClinVar aggregate classification (germline): Benign (0 of 4 stars; one submission).

Conditions:
SNTG1-related disorder. Also called: SNTG1-related condition.

Allele frequency attached by ClinVar (database versions not stated): gnomAD exomes 0.00027; ExAC 0.00088; 1000 Genomes Project 0.00220; gnomAD 0.00269; 1000 Genomes Project 30x 0.00281; TOPMed 0.00281; ESP Exome Variant Server 0.00361.
gnomAD v4.1: 815 of 1,614,004 alleles (0.05%); highest among the groups gnomAD compares: African/African-American, 0.98%; 3 homozygotes.

Submission:

PreventionGenetics, part of Exact Sciences
Classification: Benign for SNTG1-related condition. Last evaluated: 2019-06-19. Review status: no assertion criteria provided. Collection method: clinical testing. Allele origin: germline.
Comment: This variant is classified as benign based on ACMG/AMP sequence variant interpretation guidelines (Richards et al. 2015 PMID: 25741868, with internal and published modifications).

NM_018967.5(SNTG1):c.633A>G (p.Leu211=)

Gene: SNTG1 (syntrophin gamma 1; plus strand). Cytogenetic location: 8q11.21.
Variant type: single nucleotide variant.
Coding change: c.633A>G on transcript NM_018967.5 (MANE Select); coding-DNA position 633, A replaced by G.
Protein change: p.Leu211=; no amino-acid change (leucine 211 retained).
Molecular consequence: synonymous variant. On other transcripts: non-coding transcript variant (5).
Genome position (GRCh38, 1-based): chr8:50,536,761, A>G. VCF-style: chr8-50536761-A-G. GRCh37 (hg19) VCF-style: chr8-51449321-A-G.
Other names: c.633A>G, p.Leu211= (NM_001287813.3, NM_001287814.3, NM_001321773.2 and 4 more transcripts).
Identifiers: ClinVar variation 3034214 (VCV003034214.2), dbSNP rs34041945, ClinGen allele CA4744073.